The following is an entry in ClinVar:

ClinVar aggregate classification (germline): Uncertain significance (1 of 4 stars; one submission).

Allele frequency attached by ClinVar (database versions not stated): gnomAD 0.00003; gnomAD exomes below 0.00001; ExAC 0.00003.
gnomAD v4.1: 7 of 1,472,710 alleles (0.00048%); highest among the groups gnomAD compares: African/African-American, 0.0071%; no homozygotes.

Submission:

Labcorp Genetics (formerly Invitae), Labcorp
Classification: Uncertain significance. Last evaluated: 2022-07-19. Review status: criteria provided, single submitter. Criteria: Invitae Variant Classification Sherloc (09022015). Collection method: clinical testing. Allele origin: germline.
Comment: In summary, the available evidence is currently insufficient to determine the role of this variant in disease. Therefore, it has been classified as a Variant of Uncertain Significance. Variants that disrupt the consensus splice site are a relatively common cause of aberrant splicing (PMID: 17576681, 9536098). Algorithms developed to predict the effect of sequence changes on RNA splicing suggest that this variant is not likely to affect RNA splicing. This variant has not been reported in the literature in individuals affected with OTOGL-related conditions. The frequency data for this variant in the population databases is considered unreliable, as metrics indicate poor data quality at this position in the gnomAD database. This sequence change falls in intron 27 of the OTOGL gene. It does not directly change the encoded amino acid sequence of the OTOGL protein. It affects a nucleotide within the consensus splice site.

Literature cited by the submitters: PubMed 17576681; PubMed 9536098.

NM_001378609.3(OTOGL):c.3213+4G>A

Gene: OTOGL (otogelin like; plus strand). Cytogenetic location: 12q21.31.
Variant type: single nucleotide variant.
Coding change: c.3213+4G>A on transcript NM_001378609.3 (MANE Select); 4 bases into the intron after coding-DNA position 3213, G replaced by A.
Molecular consequence: intron variant.
Genome position (GRCh38, 1-based): chr12:80,302,787, G>A. VCF-style: chr12-80302787-G-A. GRCh37 (hg19) VCF-style: chr12-80696567-G-A.
Other names: c.3078+4G>A (NM_001368062.3); c.3213+4G>A (NM_001378610.3, NM_173591.7).
Identifiers: ClinVar variation 1913056 (VCV001913056.5), dbSNP rs759985318, ClinGen allele CA6700983.